The following is an entry in ClinVar:

ClinVar aggregate classification (germline): Uncertain significance. Review status: criteria provided, multiple submitters, no conflicts (2 of 4 stars). 2 submissions from 2 submitters: Uncertain significance (2). Last evaluated 2025-10-29.

Conditions:
Type A2 brachydactyly (BDA2). Also called: Brachymesophalangy type 2; MOHR-WRIEDT TYPE BRACHYDACTYLY; BRACHYMESOPHALANGY II. Identifiers: Orphanet 93396, MedGen C1832702, MONDO:0007216, OMIM 112600, HP:0009372.
Acromesomelic dysplasia 3 (AMD3). Also called: CHONDRODYSPLASIA, ACROMESOMELIC, WITH OR WITHOUT GENITAL ANOMALIES; Acromesomelic dysplasia, Demirhan type. Identifiers: MedGen C4225404, MONDO:0012274, OMIM 609441.
Inborn genetic diseases. Identifiers: MedGen C0950123, MeSH D030342.

Allele frequency attached by ClinVar (database versions not stated): TOPMed 0.00001.

Submissions (2):

Ambry Genetics
Classification: Uncertain significance for Inborn genetic diseases. Last evaluated: 2025-10-29. Review status: criteria provided, single submitter. Criteria: Ambry Variant Classification Scheme 2023. Collection method: clinical testing. Allele origin: germline.

Labcorp Genetics (formerly Invitae), Labcorp
Classification: Uncertain significance for Type A2 brachydactyly; Acromesomelic dysplasia 3. Last evaluated: 2023-07-21. Review status: criteria provided, single submitter. Criteria: Invitae Variant Classification Sherloc (09022015). Collection method: clinical testing. Allele origin: germline.
Comment: This sequence change replaces leucine, which is neutral and non-polar, with isoleucine, which is neutral and non-polar, at codon 163 of the BMPR1B protein (p.Leu163Ile). This variant is not present in population databases (gnomAD no frequency). This variant has not been reported in the literature in individuals affected with BMPR1B-related conditions. ClinVar contains an entry for this variant (Variation ID: 1501366). Advanced modeling of protein sequence and biophysical properties (such as structural, functional, and spatial information, amino acid conservation, physicochemical variation, residue mobility, and thermodynamic stability) performed at Invitae indicates that this missense variant is not expected to disrupt BMPR1B protein function. In summary, the available evidence is currently insufficient to determine the role of this variant in disease. Therefore, it has been classified as a Variant of Uncertain Significance.

NM_001203.3(BMPR1B):c.487T>A (p.Leu163Ile)

Gene: BMPR1B (bone morphogenetic protein receptor type 1B; plus strand). Cytogenetic location: 4q22.3.
Variant type: single nucleotide variant.
Coding change: c.487T>A on transcript NM_001203.3 (MANE Select); coding-DNA position 487, T replaced by A.
Protein change: p.Leu163Ile; replaces leucine 163 with isoleucine.
Molecular consequence: missense variant.
Genome position (GRCh38, 1-based): chr4:95,125,023, T>A. VCF-style: chr4-95125023-T-A. GRCh37 (hg19) VCF-style: chr4-96046174-T-A.
Other names: c.487T>A (NM_001203.2); c.487T>A, p.Leu163Ile (NM_001256792.2, NM_001256794.1); c.577T>A, p.Leu193Ile (NM_001256793.2); short protein forms L163I, L193I.
Identifiers: ClinVar variation 1501366 (VCV001501366.7), dbSNP rs1438025940, ClinGen allele CA357680179.